The following is an entry in ClinVar:

ClinVar aggregate classification (germline): Likely pathogenic (1 of 4 stars; one submission).

Allele frequency attached by ClinVar (database versions not stated): gnomAD exomes below 0.00001.

Submission:

GeneDx
Classification: Likely pathogenic. Last evaluated: 2026-07-10. Review status: criteria provided, single submitter. Criteria: GeneDx Variant Classification Process June 2021. Collection method: clinical testing. Allele origin: germline.
Comment: Nonsense variant predicted to result in protein truncation or nonsense mediated decay in a gene for which loss of function is a known mechanism of disease; Not observed at significant frequency in large population cohorts (gnomAD); Has not been previously published as pathogenic or benign to our knowledge

NM_017613.4(DONSON):c.64C>T (p.Arg22Ter)

Gene: DONSON (DNA replication fork stabilization factor DONSON; minus strand). Cytogenetic location: 21q22.11.
Variant type: single nucleotide variant.
Coding change: c.64C>T on transcript NM_017613.4 (MANE Select); coding-DNA position 64, C replaced by T.
Protein change: p.Arg22Ter; replaces arginine 22 with a stop codon.
Molecular consequence: nonsense.
Genome position (GRCh38, 1-based): chr21:33,588,578, G>A on the plus strand (C>T on the coding strand, the complement: DONSON is on the minus strand). VCF-style: chr21-33588578-G-A. GRCh37 (hg19) VCF-style: chr21-34960884-G-A.
Other names: short protein forms R22*.
Identifiers: ClinVar variation 2663306 (VCV002663306.2), dbSNP rs2517484911, ClinGen allele CA410145712.